The following is an entry in ClinVar:

NM_001283009.2(RTEL1):c.3834G>A (p.Met1278Ile)

Genes: RTEL1 (regulator of telomere elongation helicase 1; plus strand), RTEL1-TNFRSF6B (RTEL1-TNFRSF6B readthrough (NMD candidate); plus strand). Cytogenetic location: 20q13.33.
Variant type: single nucleotide variant.
Coding change: c.3834G>A on transcript NM_001283009.2 (MANE Select); coding-DNA position 3834, G replaced by A.
Protein change: p.Met1278Ile; replaces methionine 1278 with isoleucine.
Molecular consequence: missense variant. On other transcripts: non-coding transcript variant (1), 3 prime UTR variant (3).
Genome position (GRCh38, 1-based): chr20:63,695,789, G>A. VCF-style: chr20-63695789-G-A. GRCh37 (hg19) VCF-style: chr20-62327142-G-A.
Other names: c.*4G>A (NM_001283010.1, NM_016434.4, NM_032957.5); short protein forms M1278I.
Identifiers: ClinVar variation 1003585 (VCV001003585.9), dbSNP rs1428387350, ClinGen allele CA409710424.

ClinVar aggregate classification (germline): Uncertain significance. Review status: criteria provided, multiple submitters, no conflicts (2 of 4 stars). 3 submissions from 3 submitters: Uncertain significance (2). 1 of the submissions does not count toward it. Last evaluated 2025-03-04.

Conditions:
Pulmonary fibrosis and/or bone marrow failure, Telomere-related, 3. Also called: PULMONARY FIBROSIS AND/OR BONE MARROW FAILURE SYNDROME, TELOMERE-RELATED, 3. Identifiers: Orphanet 2032, MedGen C4225346, MONDO:0014613, OMIM 616373.
Dyskeratosis congenita, autosomal recessive 5 (DKCB5). Identifiers: MedGen C3554656, MONDO:0014076, OMIM 615190.
Inborn genetic diseases. Identifiers: MedGen C0950123, MeSH D030342.
Dyskeratosis congenita. Identifiers: Orphanet 1775, MedGen C0265965, MONDO:0015780.

Allele frequency attached by ClinVar (database versions not stated): gnomAD exomes below 0.00001.

Submissions (3):

Ambry Genetics
Classification: Uncertain significance for Inborn genetic diseases. Last evaluated: 2025-03-04. Review status: criteria provided, single submitter. Criteria: Ambry Variant Classification Scheme 2023. Collection method: clinical testing. Allele origin: germline.
Comment: The p.M1278I variant (also known as c.3834G>A), located in coding exon 34 of the RTEL1 gene, results from a G to A substitution at nucleotide position 3834. The methionine at codon 1278 is replaced by isoleucine, an amino acid with highly similar properties. This amino acid position is conserved. In addition, this alteration is predicted to be tolerated by in silico analysis. Based on the available evidence, the clinical significance of this variant remains unclear.

Labcorp Genetics (formerly Invitae), Labcorp
Classification: Uncertain significance for Dyskeratosis congenita, autosomal recessive 5; Pulmonary fibrosis and/or bone marrow failure, Telomere-related, 3. Last evaluated: 2023-11-28. Review status: criteria provided, single submitter. Criteria: Invitae Variant Classification Sherloc (09022015). Collection method: clinical testing. Allele origin: germline.
Comment: This sequence change replaces methionine, which is neutral and non-polar, with isoleucine, which is neutral and non-polar, at codon 1278 of the RTEL1 protein (p.Met1278Ile). The frequency data for this variant in the population databases is considered unreliable, as metrics indicate poor data quality at this position in the gnomAD database. This variant has not been reported in the literature in individuals affected with RTEL1-related conditions. ClinVar contains an entry for this variant (Variation ID: 1003585). An algorithm developed to predict the effect of missense changes on protein structure and function (PolyPhen-2) suggests that this variant¬†is likely to be tolerated. In summary, the available evidence is currently insufficient to determine the role of this variant in disease. Therefore, it has been classified as a Variant of Uncertain Significance.

Natera, Inc.
Classification: Uncertain significance for Dyskeratosis congenita. Last evaluated: 2020-08-21. Review status: no assertion criteria provided. Collection method: clinical testing. Allele origin: germline. Not counted in ClinVar's aggregate classification.